The following is an entry in ClinVar:

NM_001701.4(BAAT):c.-116G>A

Gene: BAAT (bile acid-CoA:amino acid N-acyltransferase; minus strand). Cytogenetic location: 9q31.1.
Variant type: single nucleotide variant.
Coding change: c.-116G>A on transcript NM_001701.4 (MANE Select); 116 bases upstream of the start codon, G replaced by A.
Molecular consequence: 5 prime UTR variant.
Genome position (GRCh38, 1-based): chr9:101,384,911, C>T on the plus strand (G>A on the coding strand, the complement: BAAT is on the minus strand). VCF-style: chr9-101384911-C-T. GRCh37 (hg19) VCF-style: chr9-104147193-C-T.
Identifiers: ClinVar variation 364284 (VCV000364284.5), dbSNP rs117775873, ClinGen allele CA10631881.
Genomic context (GRCh38, chr9:101,384,911, plus strand): 5'-ATACCTAGCAAGAGAACCTGCCCCCAAAATTTCAGCGTAGGTTCTATTTTCCCTAAGTGT[C>T]GGCTGGTCTGAGAAATAAAGAGAAAGAGTACAAAGAGAGGAATTTACAGCTGGGCCTCCG-3'

ClinVar aggregate classification (germline): Benign (1 of 4 stars; one submission).

Conditions:
Hypercholanemia, familial 1 (FHCA1). Identifiers: Orphanet 238475, MedGen C5542604, MONDO:0031446, OMIM 607748.

Allele frequency attached by ClinVar (database versions not stated): 1000 Genomes Project 30x 0.06059; 1000 Genomes Project 0.06090; gnomAD 0.06702 and 0.06962; TOPMed 0.06751.
gnomAD v4.1: 10,615 of 152,068 alleles (7%); highest among the groups gnomAD compares: South Asian, 15%; 493 homozygotes.

Submission:

Illumina Laboratory Services, Illumina
Classification: Benign for Hypercholanemia, familial 1. Last evaluated: 2018-01-12. Review status: criteria provided, single submitter. Criteria: ICSL Variant Classification Criteria 13 December 2019. Collection method: clinical testing. Allele origin: germline.
Comment: This variant was observed in the ICSL laboratory as part of a predisposition screen in an ostensibly healthy population. It had not been previously curated by ICSL or reported in the Human Gene Mutation Database (HGMD: prior to June 1st, 2018), and was therefore a candidate for classification through an automated scoring system. Utilizing variant allele frequency, disease prevalence and penetrance estimates, and inheritance mode, an automated score was calculated to assess if this variant is too frequent to cause the disease. Based on the score and internal cut-off values, a variant classified as benign is not then subjected to further curation. The score for this variant resulted in a classification of benign for this disease.